The following is an entry in ClinVar:

NM_000064.4(C3):c.1273C>T (p.Arg425Cys)

Gene: C3 (complement C3; minus strand). Cytogenetic location: 19p13.3.
Variant type: single nucleotide variant.
Coding change: c.1273C>T on transcript NM_000064.4 (MANE Select); coding-DNA position 1273, C replaced by T.
Protein change: p.Arg425Cys; replaces arginine 425 with cysteine.
Molecular consequence: missense variant.
Genome position (GRCh38, 1-based): chr19:6,711,193, G>A on the plus strand (C>T on the coding strand, the complement: C3 is on the minus strand). VCF-style: chr19-6711193-G-A. GRCh37 (hg19) VCF-style: chr19-6711204-G-A.
Other names: c.1273C>T (NM_000064.2); short protein forms R425C.
Identifiers: ClinVar variation 449567 (VCV000449567.19), dbSNP rs200967589, ClinGen allele CA9129497.

ClinVar aggregate classification (germline): Conflicting classifications of pathogenicity. Review status: criteria provided, conflicting classifications (1 of 4 stars). 7 submissions from 7 submitters: Uncertain significance (6); Likely benign (1). Last evaluated 2026-09-17.

Conditions:
C3 glomerulonephritis. Also called: C3 GLOMERULOPATHY 3; Nephropathy due to CFHR5 Deficiency. Identifiers: Orphanet 329931, MedGen C4055342, MONDO:0013892, OMIM 614809.
Complement component 3 deficiency. Identifiers: Orphanet 280133, MedGen C3151071, MONDO:0013417, OMIM 613779.
Atypical hemolytic-uremic syndrome. Identifiers: Orphanet 2134, MedGen C2931788, MONDO:0016244.
Inborn genetic diseases. Identifiers: MedGen C0950123, MeSH D030342.
Atypical hemolytic-uremic syndrome with C3 anomaly. Also called: AHUS, SUSCEPTIBILITY TO, 5. Identifiers: Orphanet 2134, MedGen C2752037, MONDO:0013043, OMIM 612925.
Age related macular degeneration 9. Identifiers: MedGen C1969651, MONDO:0012659, OMIM 611378.

Allele frequency attached by ClinVar (database versions not stated): gnomAD 0.00011 and 0.00013; TOPMed 0.00012; ExAC 0.00017; 1000 Genomes Project 30x 0.00047; 1000 Genomes Project 0.00060.
gnomAD v4.1: 144 of 1,611,836 alleles (0.0089%); highest among the groups gnomAD compares: East Asian, 0.2%; no homozygotes.

Submissions (7):

Genomenon, Inc
Classification: Likely benign for Complement component 3 deficiency; C3 glomerulonephritis; Atypical hemolytic-uremic syndrome. Last evaluated: 2026-09-17. Review status: criteria provided, single submitter. Criteria: Genomenon Sequence Variant Interpretation Standards - Updated. Collection method: curation. Allele origin: germline. Affected: no.
Comment: C3 p.Arg425Cys (c.1273C>T) is a missense variant that changes the amino acid at codon 425 from Arginine to Cysteine. This variant has been reported in the published literature (PMID:33213850;31730685;38008090;27722136;29352455;23314101;25951460;29511899). In silico models predict that this variant is not damaging. This variant's allele frequency in gnomAD is greater than expected for this disorder. In conclusion, we classify C3 p.Arg425Cys (c.1273C>T) as a likely benign variant.

Women's Health and Genetics/Laboratory Corporation of America, LabCorp
Classification: Uncertain significance. Last evaluated: 2026-01-14. Review status: criteria provided, single submitter. Criteria: LabCorp Variant Classification Summary - May 2015. Collection method: clinical testing. Allele origin: germline.
Comment: Variant summary: C3 c.1273C>T (p.Arg425Cys) results in a non-conservative amino acid change in the encoded protein sequence. Algorithms developed to predict the effect of missense changes on protein structure and function are either unavailable or do not agree on the potential impact of this missense change. The variant allele was found at a frequency of 0.00022 in 247106 control chromosomes (gnomAD). This frequency is not significantly higher than estimated for disease-causing variants in C3, allowing no conclusion about variant significance. c.1273C>T has been observed in individuals affected with atypical hemolytic-uremic syndrome without strong evidence of causality (e.g. Fan_2013, Masukuma_2014, Cho_2016, Yun_2020, Li_2022). These reports do not provide unequivocal conclusions about association of the variant with atypical hemolytic-uremic syndrome. To our knowledge, no experimental evidence demonstrating an impact on protein function has been reported. The following publications have been ascertained in the context of this evaluation (PMID: 23314101, 25431709, 27722136, 33213850, 35685318). ClinVar contains an entry for this variant (Variation ID: 449567). Based on the evidence outlined above, the variant was classified as uncertain significance.

Labcorp Genetics (formerly Invitae), Labcorp
Classification: Uncertain significance. Last evaluated: 2025-03-26. Review status: criteria provided, single submitter. Criteria: Invitae Variant Classification Sherloc (09022015). Collection method: clinical testing. Allele origin: germline.
Comment: This sequence change replaces arginine, which is basic and polar, with cysteine, which is neutral and slightly polar, at codon 425 of the C3 protein (p.Arg425Cys). This variant is present in population databases (rs200967589, gnomAD 0.3%). This missense change has been observed in individual(s) with atypical hemolytic uremic syndrome (PMID: 23314101, 25431709, 27722136, 33213850, 35685318). ClinVar contains an entry for this variant (Variation ID: 449567). Invitae Evidence Modeling of protein sequence and biophysical properties (such as structural, functional, and spatial information, amino acid conservation, physicochemical variation, residue mobility, and thermodynamic stability) indicates that this missense variant is expected to disrupt C3 protein function with a positive predictive value of 80%. In summary, the available evidence is currently insufficient to determine the role of this variant in disease. Therefore, it has been classified as a Variant of Uncertain Significance.

Fulgent Genetics
Classification: Uncertain significance for Age related macular degeneration 9; Atypical hemolytic-uremic syndrome with C3 anomaly; Complement component 3 deficiency. Last evaluated: 2024-04-26. Review status: criteria provided, single submitter. Criteria: ACMG Guidelines, 2015. Collection method: clinical testing. Allele origin: germline.

Ambry Genetics
Classification: Uncertain significance for Inborn genetic diseases. Last evaluated: 2023-11-06. Review status: criteria provided, single submitter. Criteria: Ambry Variant Classification Scheme 2023. Collection method: clinical testing. Allele origin: germline.

Mayo Clinic Laboratories, Mayo Clinic
Classification: Uncertain significance. Last evaluated: 2020-02-27. Review status: criteria provided, single submitter. Criteria: ACMG Guidelines, 2015. Collection method: clinical testing. Allele origin: germline. Observed: 1 variant allele.

GeneDx
Classification: Uncertain significance. Last evaluated: 2017-06-30. Review status: criteria provided, single submitter. Criteria: GeneDx Variant Classification (06012015). Collection method: clinical testing. Allele origin: germline. Affected: yes.
Comment: The R425C variant in the C3 gene has been reported previously as a heterozygous finding in at least 3 individuals of Asian ancestry with atypical hemolytic uremic syndrome (Fan et al., 2013; Matsukama et al., 2014; Cho et al., 2016). However, this variant is observed in 15/8620 (0.17%) alleles from individuals of East Asian background in the ExAC dataset (Lek et al., 2016). The R425C variant is a non-conservative amino acid substitution, which is likely to impact secondary protein structure as these residues differ in polarity, charge, size and/or other properties. This substitution occurs at a position that is not conserved. In silico analysis predicts this variant is probably damaging to the protein structure/function. We interpret R425C as a variant of uncertain significance.

Literature cited by the submitters: PubMed 33213850 (cited by 4 submitters); PubMed 31730685 (cited by Genomenon, Inc); PubMed 38008090 (cited by Genomenon, Inc); PubMed 27722136 (cited by 4 submitters); PubMed 29352455 (cited by Genomenon, Inc); PubMed 23314101 (cited by 4 submitters); PubMed 25951460 (cited by Genomenon, Inc); PubMed 29511899 (cited by Genomenon, Inc); PubMed 35685318 (cited by 3 submitters); PubMed 25431709 (cited by 3 submitters).